The following is an entry in ClinVar:

NM_206933.4(USH2A):c.12493T>C (p.Ser4165Pro)

Gene: USH2A (usherin; minus strand). Cytogenetic location: 1q41.
Variant type: single nucleotide variant.
Coding change: c.12493T>C on transcript NM_206933.4 (MANE Select); coding-DNA position 12493, T replaced by C.
Protein change: p.Ser4165Pro; replaces serine 4165 with proline.
Molecular consequence: missense variant.
Genome position (GRCh38, 1-based): chr1:215,675,418, A>G on the plus strand (T>C on the coding strand, the complement: USH2A is on the minus strand). VCF-style: chr1-215675418-A-G. GRCh37 (hg19) VCF-style: chr1-215848760-A-G.
Other names: short protein forms S4165P.
Identifiers: ClinVar variation 4700411 (VCV004700411.1).

ClinVar aggregate classification (germline): Uncertain significance (1 of 4 stars; one submission).

Submission:

Labcorp Genetics (formerly Invitae), Labcorp
Classification: Uncertain significance. Last evaluated: 2025-02-20. Review status: criteria provided, single submitter. Criteria: Invitae Variant Classification Sherloc (09022015). Collection method: clinical testing. Allele origin: germline.
Comment: This sequence change replaces serine, which is neutral and polar, with proline, which is neutral and non-polar, at codon 4165 of the USH2A protein (p.Ser4165Pro). This variant is not present in population databases (gnomAD no frequency). This variant has not been reported in the literature in individuals affected with USH2A-related conditions. Invitae Evidence Modeling of protein sequence and biophysical properties (such as structural, functional, and spatial information, amino acid conservation, physicochemical variation, residue mobility, and thermodynamic stability) indicates that this missense variant is not expected to disrupt USH2A protein function with a negative predictive value of 95%. In summary, the available evidence is currently insufficient to determine the role of this variant in disease. Therefore, it has been classified as a Variant of Uncertain Significance.